The following is an entry in ClinVar:

NM_018389.5(SLC35C1):c.-173C>T

Gene: SLC35C1 (solute carrier family 35 member C1; plus strand). Cytogenetic location: 11p11.2.
Variant type: single nucleotide variant.
Coding change: c.-173C>T on transcript NM_018389.5 (MANE Select); 173 bases upstream of the start codon, C replaced by T.
Molecular consequence: 5 prime UTR variant. On other transcripts: intron variant (3).
Genome position (GRCh38, 1-based): chr11:45,805,629, C>T. VCF-style: chr11-45805629-C-T. GRCh37 (hg19) VCF-style: chr11-45827180-C-T.
Other names: c.-173C>T (NM_001425155.1); c.-31-181C>T (NM_001145266.2, NM_001145265.2, NM_001425156.1).
Identifiers: ClinVar variation 304734 (VCV000304734.6), dbSNP rs78455013, ClinGen allele CA10639152.

ClinVar aggregate classification (germline): Benign. Review status: criteria provided, multiple submitters, no conflicts (2 of 4 stars). 2 submissions from 2 submitters: Benign (2). Last evaluated 2018-01-13.

Conditions:
Leukocyte adhesion deficiency type II. Also called: CONGENITAL DISORDER OF GLYCOSYLATION, TYPE IIc; CDG IIc; Congenital disorder of glycosylation type 2C; CDG 2C; Leukocyte adhesion deficiency type 2; Rambam Hasharon syndrome. Identifiers: Orphanet 2968, Orphanet 99843, MedGen C0398739, MONDO:0009953, OMIM 266265.

Allele frequency attached by ClinVar (database versions not stated): gnomAD exomes 0.00139; gnomAD 0.01481; 1000 Genomes Project 0.01558; TOPMed 0.01568; 1000 Genomes Project 30x 0.01671.

Submissions (2):

Illumina Laboratory Services, Illumina
Classification: Benign for Leukocyte adhesion deficiency type II. Last evaluated: 2018-01-13. Review status: criteria provided, single submitter. Criteria: ICSL Variant Classification Criteria 13 December 2019. Collection method: clinical testing. Allele origin: germline.
Comment: This variant was observed in the ICSL laboratory as part of a predisposition screen in an ostensibly healthy population. It had not been previously curated by ICSL or reported in the Human Gene Mutation Database (HGMD: prior to June 1st, 2018), and was therefore a candidate for classification through an automated scoring system. Utilizing variant allele frequency, disease prevalence and penetrance estimates, and inheritance mode, an automated score was calculated to assess if this variant is too frequent to cause the disease. Based on the score and internal cut-off values, a variant classified as benign is not then subjected to further curation. The score for this variant resulted in a classification of benign for this disease.

Breakthrough Genomics
Classification: Benign. Review status: criteria provided, single submitter. Criteria: ACMG Guidelines, 2015. Collection method: not provided. Allele origin: germline. Inheritance: Autosomal recessive inheritance. Affected: yes.